The following is an entry in ClinVar:

NM_001378120.1(MBD5):c.3685C>A (p.Gln1229Lys)

Gene: MBD5 (methyl-CpG binding domain protein 5; plus strand). Cytogenetic location: 2q23.1.
Variant type: single nucleotide variant.
Coding change: c.3685C>A on transcript NM_001378120.1 (MANE Select); coding-DNA position 3685, C replaced by A.
Protein change: p.Gln1229Lys; replaces glutamine 1229 with lysine.
Molecular consequence: missense variant.
Genome position (GRCh38, 1-based): chr2:148,485,882, C>A. VCF-style: chr2-148485882-C-A. GRCh37 (hg19) VCF-style: chr2-149243451-C-A.
Other names: c.2986C>A, p.Gln996Lys (NM_018328.5); short protein forms Q1229K, Q996K.
Identifiers: ClinVar variation 1514019 (VCV001514019.8), dbSNP rs2105094167, ClinGen allele CA348724651.

ClinVar aggregate classification (germline): Uncertain significance (1 of 4 stars; one submission).

Conditions:
Intellectual developmental disorder, autosomal dominant 1. Also called: Intellectual disability, autosomal dominant 1; MBD5 Haploinsufficiency. Identifiers: Orphanet 228402, MedGen C1969562, MONDO:0007974, OMIM 156200.

Allele frequency attached by ClinVar (database versions not stated): gnomAD exomes below 0.00001.
gnomAD v4.1: 1 of 1,614,096 alleles (0.000062%); highest among the groups gnomAD compares: South Asian, 0.0011%; no homozygotes.

Submission:

Labcorp Genetics (formerly Invitae), Labcorp
Classification: Uncertain significance for Intellectual developmental disorder, autosomal dominant 1. Last evaluated: 2021-04-22. Review status: criteria provided, single submitter. Criteria: Invitae Variant Classification Sherloc (09022015). Collection method: clinical testing. Allele origin: germline.
Comment: In summary, the available evidence is currently insufficient to determine the role of this variant in disease. Therefore, it has been classified as a Variant of Uncertain Significance. Algorithms developed to predict the effect of missense changes on protein structure and function are either unavailable or do not agree on the potential impact of this missense change (SIFT: "Deleterious"; PolyPhen-2: "Not Available"; Align-GVGD: "Class C45"). This variant has not been reported in the literature in individuals with MBD5-related conditions. This variant is not present in population databases (ExAC no frequency). This sequence change replaces glutamine with lysine at codon 996 of the MBD5 protein (p.Gln996Lys). The glutamine residue is highly conserved and there is a small physicochemical difference between glutamine and lysine.